The following is an entry in ClinVar:

ClinVar aggregate classification (germline): Pathogenic (1 of 4 stars; one submission).

Conditions:
Osteogenesis imperfecta type I (OI1). Also called: Classic Non-deforming Osteogenesis Imperfecta with Blue Sclerae; Lobstein's Disease; Lobstein disease; OI, TYPE I; OSTEOGENESIS IMPERFECTA TARDA; OSTEOGENESIS IMPERFECTA WITH BLUE SCLERAE. Identifiers: Orphanet 216796, Orphanet 666, MedGen C0023931, MONDO:0008146, OMIM 166200. Disease mechanism: loss of function.

Submission:

Labcorp Genetics (formerly Invitae), Labcorp
Classification: Pathogenic for Osteogenesis imperfecta type I. Last evaluated: 2022-10-13. Review status: criteria provided, single submitter. Criteria: Invitae Variant Classification Sherloc (09022015). Collection method: clinical testing. Allele origin: germline.
Comment: For these reasons, this variant has been classified as Pathogenic. ClinVar contains an entry for this variant (Variation ID: 1441383). This variant has not been reported in the literature in individuals affected with COL1A1-related conditions. This variant is not present in population databases (gnomAD no frequency). This sequence change creates a premature translational stop signal (p.Gly127Alafs*138) in the COL1A1 gene. It is expected to result in an absent or disrupted protein product. Loss-of-function variants in COL1A1 are known to be pathogenic (PMID: 7942841, 9295084, 9443882).

Literature cited by the submitters: PubMed 7942841; PubMed 9295084; PubMed 9443882.

NM_000088.4(COL1A1):c.380del (p.Gly127fs)

Gene: COL1A1 (collagen type I alpha 1 chain; minus strand). Cytogenetic location: 17q21.33.
Variant type: Deletion.
Coding change: c.380del on transcript NM_000088.4 (MANE Select); coding-DNA position 380, one base deleted (G; older notation c.380delG).
Protein change: p.Gly127fs; shifts the reading frame from glycine 127.
Molecular consequence: frameshift variant.
Genome position (GRCh38, 1-based): chr17:50,199,317, C deleted on the plus strand (G on the coding strand, the reverse complement: COL1A1 is on the minus strand); the first of 2 consecutive C bases (chr17:50,199,317-50,199,318); deleting either gives the same sequence. VCF-style (leftmost placement, unchanged base first): chr17-50199316-GC-G. GRCh37 (hg19) VCF-style: chr17-48276677-GC-G.
Other names: short protein forms G127fs.
Identifiers: ClinVar variation 1441383 (VCV001441383.6), dbSNP rs2144591470, ClinGen allele CA2573154239.